The following is an entry in ClinVar:

ClinVar aggregate classification (germline): Likely benign (0 of 4 stars; one submission).

Conditions:
SLC26A8-related disorder. Also called: SLC26A8-related condition.

Allele frequency attached by ClinVar (database versions not stated): gnomAD 0.00001; gnomAD exomes 0.00001.
gnomAD v4.1: 11 of 1,613,684 alleles (0.00068%); highest among the groups gnomAD compares: Middle Eastern, 0.12%; no homozygotes.

Submission:

PreventionGenetics, part of Exact Sciences
Classification: Likely benign for SLC26A8-related condition. Last evaluated: 2019-06-12. Review status: no assertion criteria provided. Collection method: clinical testing. Allele origin: germline.
Comment: This variant is classified as likely benign based on ACMG/AMP sequence variant interpretation guidelines (Richards et al. 2015 PMID: 25741868, with internal and published modifications).

NM_052961.4(SLC26A8):c.2613G>C (p.Gly871=)

Gene: SLC26A8 (solute carrier family 26 member 8; minus strand). Cytogenetic location: 6p21.31.
Variant type: single nucleotide variant.
Coding change: c.2613G>C on transcript NM_052961.4 (MANE Select); coding-DNA position 2613, G replaced by C.
Protein change: p.Gly871=; no amino-acid change (glycine 871 retained).
Molecular consequence: synonymous variant.
Genome position (GRCh38, 1-based): chr6:35,944,200, C>G on the plus strand (G>C on the coding strand, the complement: SLC26A8 is on the minus strand). VCF-style: chr6-35944200-C-G. GRCh37 (hg19) VCF-style: chr6-35911977-C-G.
Other names: c.2613G>C, p.Gly871= (NM_001193476.2); c.2298G>C, p.Gly766= (NM_138718.3).
Identifiers: ClinVar variation 3033960 (VCV003033960.2), dbSNP rs1485604306, ClinGen allele CA450125957.